The following is an entry in ClinVar:

ClinVar aggregate classification (germline): Uncertain significance (1 of 4 stars; one submission).

Conditions:
Costello syndrome (CSTLO). Also called: FCS SYNDROME; FACIOCUTANEOSKELETAL SYNDROME; HRAS-Related Costello Syndrome. Identifiers: Orphanet 3071, MedGen C0587248, MONDO:0009026, OMIM 218040.

Submission:

Labcorp Genetics (formerly Invitae), Labcorp
Classification: Uncertain significance for Costello syndrome. Last evaluated: 2022-04-28. Review status: criteria provided, single submitter. Criteria: Invitae Variant Classification Sherloc (09022015). Collection method: clinical testing. Allele origin: germline.
Comment: This sequence change replaces threonine, which is neutral and polar, with arginine, which is basic and polar, at codon 2 of the HRAS protein (p.Thr2Arg). This variant is not present in population databases (gnomAD no frequency). This variant has not been reported in the literature in individuals affected with HRAS-related conditions. Advanced modeling of protein sequence and biophysical properties (such as structural, functional, and spatial information, amino acid conservation, physicochemical variation, residue mobility, and thermodynamic stability) performed at Invitae indicates that this missense variant is not expected to disrupt HRAS protein function. In summary, the available evidence is currently insufficient to determine the role of this variant in disease. Therefore, it has been classified as a Variant of Uncertain Significance.

NM_005343.4(HRAS):c.5C>G (p.Thr2Arg)

Genes: HRAS (HRas proto-oncogene, GTPase; minus strand), LRRC56 (leucine rich repeat containing 56; plus strand). Cytogenetic location: 11p15.5.
Variant type: single nucleotide variant.
Coding change: c.5C>G on transcript NM_005343.4 (MANE Select); coding-DNA position 5, C replaced by G.
Protein change: p.Thr2Arg; replaces threonine 2 with arginine.
Molecular consequence: missense variant. On other transcripts: 5 prime UTR variant (1).
Genome position (GRCh38, 1-based): chr11:534,318, G>C on the plus strand (C>G on the coding strand, the complement: HRAS is on the minus strand). VCF-style: chr11-534318-G-C. GRCh37 (hg19) VCF-style: chr11-534318-G-C.
Other names: c.5C>G, p.Thr2Arg (NM_001130442.3, NM_176795.5); c.-315C>G (NM_001318054.2); short protein forms T2R.
Identifiers: ClinVar variation 1400061 (VCV001400061.8), dbSNP rs1447218022, ClinGen allele CA378926314.